The following is an entry in ClinVar:

ClinVar aggregate classification (germline): Uncertain significance (1 of 4 stars; one submission).

Conditions:
LAMA2-related muscular dystrophy (LAMA2-RD). Also called: Laminin alpha 2-related dystrophy. Identifiers: MedGen C5679788, MONDO:0100228.

Allele frequency attached by ClinVar (database versions not stated): ExAC 0.00001; gnomAD exomes 0.00001; gnomAD 0.00003.
gnomAD v4.1: 13 of 1,613,460 alleles (0.00081%); highest among the groups gnomAD compares: South Asian, 0.0022%; no homozygotes.

Submission:

Labcorp Genetics (formerly Invitae), Labcorp
Classification: Uncertain significance for LAMA2-related muscular dystrophy. Last evaluated: 2022-05-17. Review status: criteria provided, single submitter. Criteria: Invitae Variant Classification Sherloc (09022015). Collection method: clinical testing. Allele origin: germline.
Comment: This sequence change replaces arginine, which is basic and polar, with tryptophan, which is neutral and slightly polar, at codon 2138 of the LAMA2 protein (p.Arg2138Trp). This variant is present in population databases (rs780662184, gnomAD 0.007%). This variant has not been reported in the literature in individuals affected with LAMA2-related conditions. Algorithms developed to predict the effect of missense changes on protein structure and function are either unavailable or do not agree on the potential impact of this missense change (SIFT: "Deleterious"; PolyPhen-2: "Probably Damaging"; Align-GVGD: "Class C0"). In summary, the available evidence is currently insufficient to determine the role of this variant in disease. Therefore, it has been classified as a Variant of Uncertain Significance.

NM_000426.4(LAMA2):c.6412C>T (p.Arg2138Trp)

Gene: LAMA2 (laminin subunit alpha 2; plus strand). Cytogenetic location: 6q22.33.
Variant type: single nucleotide variant.
Coding change: c.6412C>T on transcript NM_000426.4 (MANE Select); coding-DNA position 6412, C replaced by T.
Protein change: p.Arg2138Trp; replaces arginine 2138 with tryptophan.
Molecular consequence: missense variant.
Genome position (GRCh38, 1-based): chr6:129,445,804, C>T. VCF-style: chr6-129445804-C-T. GRCh37 (hg19) VCF-style: chr6-129766949-C-T.
Other names: c.6412C>T, p.Arg2138Trp (NM_001079823.2); short protein forms R2138W.
Identifiers: ClinVar variation 2164488 (VCV002164488.1), dbSNP rs780662184, ClinGen allele CA3994250.
Genomic context (GRCh38, chr6:129,445,804, plus strand): 5'-GAACTTGAGGATAACCTAAAGAAAAACATCTCTGAGATAAAGGAATTGATAAACCAAGCT[C>T]GGAAACAAGCCAATTCTGTAAGTTCTTTTTATCGTCAGTATCAGTAACTGATTGTAATTG-3'
Protein context (NP_000417.3, residues 2128-2148): SEIKELINQA[Arg2138Trp]KQANSIKVSV